The following is an entry in ClinVar:

NM_000071.3(CBS):c.218C>G (p.Ser73Cys)

Gene: CBS (cystathionine beta-synthase; minus strand). Cytogenetic location: 21q22.3.
Variant type: single nucleotide variant.
Coding change: c.218C>G on transcript NM_000071.3 (MANE Select); coding-DNA position 218, C replaced by G.
Protein change: p.Ser73Cys; replaces serine 73 with cysteine.
Molecular consequence: missense variant.
Genome position (GRCh38, 1-based): chr21:43,068,607, G>C on the plus strand (C>G on the coding strand, the complement: CBS is on the minus strand). VCF-style: chr21-43068607-G-C. GRCh37 (hg19) VCF-style: chr21-44488717-G-C.
Other names: c.218C>G, p.Ser73Cys (NM_001178008.3, NM_001178009.3, NM_001320298.2); short protein forms S73C.
Identifiers: ClinVar variation 4535493 (VCV004535493.1).

ClinVar aggregate classification (germline): Uncertain significance (1 of 4 stars; one submission).

gnomAD v4.1: 4 of 331,910 alleles (0.0012%); highest among the groups gnomAD compares: Admixed American, 0.016%; no homozygotes.

Submission:

Women's Health and Genetics/Laboratory Corporation of America, LabCorp
Classification: Uncertain significance. Last evaluated: 2025-09-30. Review status: criteria provided, single submitter. Criteria: LabCorp Variant Classification Summary - May 2015. Collection method: clinical testing. Allele origin: germline.
Comment: Variant summary: CBS c.218C>G (p.Ser73Cys) results in a non-conservative amino acid change in the encoded protein sequence. Algorithms developed to predict the effect of missense changes on protein structure and function are either unavailable or do not agree on the potential impact of this missense change. The variant allele was found at a frequency of 2e-05 in 250660 control chromosomes. The available data on variant occurrences in the general population are insufficient to allow any conclusion about variant significance. To our knowledge, no occurrence of c.218C>G in individuals affected with CBS-related conditions and no experimental evidence demonstrating its impact on protein function have been reported. No submitters have cited clinical-significance assessments for this variant to ClinVar. Based on the evidence outlined above, the variant was classified as uncertain significance.